The following is an entry in ClinVar:

NM_001377.3(DYNC2H1):c.5151+4G>A

Gene: DYNC2H1 (dynein cytoplasmic 2 heavy chain 1; plus strand). Cytogenetic location: 11q22.3.
Variant type: single nucleotide variant.
Coding change: c.5151+4G>A on transcript NM_001377.3 (MANE Select); 4 bases into the intron after coding-DNA position 5151, G replaced by A.
Molecular consequence: intron variant.
Genome position (GRCh38, 1-based): chr11:103,170,294, G>A. VCF-style: chr11-103170294-G-A. GRCh37 (hg19) VCF-style: chr11-103041023-G-A.
Other names: p.?; c.5151+4G>A (NM_001080463.2).
Identifiers: ClinVar variation 4541663 (VCV004541663.1).

ClinVar aggregate classification (germline): Uncertain significance (1 of 4 stars; one submission).

gnomAD v4.1: 3 of 1,555,538 alleles (0.00019%); highest among the groups gnomAD compares: East Asian, 0.0047%; no homozygotes.

Submission:

Mayo Clinic Laboratories, Mayo Clinic
Classification: Uncertain significance. Last evaluated: 2025-07-15. Review status: criteria provided, single submitter. Criteria: ACMG Guidelines, 2015. Collection method: clinical testing. Allele origin: germline. Observed: 1 variant allele.
Comment: PM2_supporting